The following is an entry in ClinVar:

NM_001379500.1(COL18A1):c.2832A>T (p.Pro944=)

Genes: COL18A1 (collagen type XVIII alpha 1 chain; plus strand), SLC19A1 (solute carrier family 19 member 1; minus strand). Cytogenetic location: 21q22.3.
Variant type: single nucleotide variant.
Coding change: c.2832A>T on transcript NM_001379500.1 (MANE Select); coding-DNA position 2832, A replaced by T.
Protein change: p.Pro944=; no amino-acid change (proline 944 retained).
Molecular consequence: synonymous variant.
Genome position (GRCh38, 1-based): chr21:45,504,529, A>T. VCF-style: chr21-45504529-A-T. GRCh37 (hg19) VCF-style: chr21-46924443-A-T.
Other names: NC_000021.8:g.46924434A>T; c.3372A>T, p.Pro1124= (NM_030582.4); c.4077A>T, p.Pro1359= (NM_130444.3); c.3372A>T (NM_030582.3).
Identifiers: ClinVar variation 2713772 (VCV002713772.5), dbSNP rs751825604, ClinGen allele CA10067507.

ClinVar aggregate classification (germline): Likely benign. Review status: criteria provided, multiple submitters, no conflicts (2 of 4 stars). 2 submissions from 2 submitters: Likely benign (2). Last evaluated 2025-09-05.

Conditions:
COL18A1-related disorder. Also called: COL18A1-related condition; COL18A1-related disorders.

Allele frequency attached by ClinVar (database versions not stated): gnomAD 0.00001; ExAC 0.00010.
gnomAD v4.1: 4 of 878,288 alleles (0.00046%); highest among the groups gnomAD compares: African/African-American, 0.0022%; no homozygotes.

Submissions (11):

PreventionGenetics, part of Exact Sciences
Classification: Likely benign for COL18A1-related condition. Last evaluated: 2025-09-05. Review status: criteria provided, single submitter. Criteria: ACMG Guidelines, 2015. Collection method: clinical testing. Allele origin: germline.
Comment: This variant is classified as likely benign based on ACMG/AMP sequence variant interpretation guidelines (Richards et al. 2015 PMID: 25741868, with internal and published modifications).

Labcorp Genetics (formerly Invitae), Labcorp
Classification: Likely benign. Last evaluated: 2021-02-23. Review status: criteria provided, single submitter. Criteria: Invitae Variant Classification Sherloc (09022015). Collection method: clinical testing. Allele origin: germline.

Dr. Peter K. Rogan Lab, Western University
No classification provided (evidence only). Condition: Ovarian serous cystadenocarcinoma. Review status: no classification provided. Collection method: in vitro. Allele origin: not applicable. Functional consequence: retained intron. Not counted in ClinVar's aggregate classification.

Dr. Peter K. Rogan Lab, Western University
No classification provided (evidence only). Condition: Ovarian serous cystadenocarcinoma. Review status: no classification provided. Collection method: in vitro. Allele origin: not applicable. Functional consequence: retained intron. Not counted in ClinVar's aggregate classification.

Dr. Peter K. Rogan Lab, Western University
No classification provided (evidence only). Condition: Ovarian serous cystadenocarcinoma. Review status: no classification provided. Collection method: in vitro. Allele origin: not applicable. Functional consequence: retained intron. Not counted in ClinVar's aggregate classification.

Dr. Peter K. Rogan Lab, Western University
No classification provided (evidence only). Condition: Ovarian serous cystadenocarcinoma. Review status: no classification provided. Collection method: in vitro. Allele origin: not applicable. Functional consequence: retained intron. Not counted in ClinVar's aggregate classification.

Dr. Peter K. Rogan Lab, Western University
No classification provided (evidence only). Condition: Ovarian serous cystadenocarcinoma. Review status: no classification provided. Collection method: in vitro. Allele origin: not applicable. Functional consequence: retained intron. Not counted in ClinVar's aggregate classification.

Dr. Peter K. Rogan Lab, Western University
No classification provided (evidence only). Condition: Ovarian serous cystadenocarcinoma. Review status: no classification provided. Collection method: in vitro. Allele origin: not applicable. Functional consequence: retained intron. Not counted in ClinVar's aggregate classification.

Dr. Peter K. Rogan Lab, Western University
No classification provided (evidence only). Condition: Ovarian serous cystadenocarcinoma. Review status: no classification provided. Collection method: in vitro. Allele origin: not applicable. Functional consequence: retained intron. Not counted in ClinVar's aggregate classification.

Dr. Peter K. Rogan Lab, Western University
No classification provided (evidence only). Condition: Ovarian serous cystadenocarcinoma. Review status: no classification provided. Collection method: in vitro. Allele origin: not applicable. Functional consequence: retained intron. Not counted in ClinVar's aggregate classification.

Dr. Peter K. Rogan Lab, Western University
No classification provided (evidence only). Condition: Ovarian serous cystadenocarcinoma. Review status: no classification provided. Collection method: in vitro. Allele origin: not applicable. Functional consequence: retained intron. Not counted in ClinVar's aggregate classification.